The following is an entry in ClinVar:

NM_022072.5(NSUN3):c.887G>A (p.Arg296Lys)

Gene: NSUN3 (NOP2/Sun RNA methyltransferase 3; plus strand). Cytogenetic location: 3q11.2.
Variant type: single nucleotide variant.
Coding change: c.887G>A on transcript NM_022072.5 (MANE Select); coding-DNA position 887, G replaced by A.
Protein change: p.Arg296Lys; replaces arginine 296 with lysine.
Molecular consequence: missense variant.
Genome position (GRCh38, 1-based): chr3:94,126,354, G>A. VCF-style: chr3-94126354-G-A. GRCh37 (hg19) VCF-style: chr3-93845198-G-A.
Other names: short protein forms R296K.
Identifiers: ClinVar variation 1977216 (VCV001977216.6), dbSNP rs2472229324, ClinGen allele CA353705901.

ClinVar aggregate classification (germline): Uncertain significance. Review status: criteria provided, multiple submitters, no conflicts (2 of 4 stars). 2 submissions from 2 submitters: Uncertain significance (2). Last evaluated 2022-03-23.

Conditions:
Inborn genetic diseases. Identifiers: MedGen C0950123, MeSH D030342.

Submissions (2):

Ambry Genetics
Classification: Uncertain significance for Inborn genetic diseases. Last evaluated: 2022-03-23. Review status: criteria provided, single submitter. Criteria: Ambry Variant Classification Scheme 2023. Collection method: clinical testing. Allele origin: germline.

Labcorp Genetics (formerly Invitae), Labcorp
Classification: Uncertain significance. Last evaluated: 2022-02-20. Review status: criteria provided, single submitter. Criteria: Invitae Variant Classification Sherloc (09022015). Collection method: clinical testing. Allele origin: germline.
Comment: This variant is not present in population databases (gnomAD no frequency). In summary, the available evidence is currently insufficient to determine the role of this variant in disease. Therefore, it has been classified as a Variant of Uncertain Significance. Algorithms developed to predict the effect of missense changes on protein structure and function output the following: SIFT: "Tolerated"; PolyPhen-2: "Benign"; Align-GVGD: "Class C0". The lysine amino acid residue is found in multiple mammalian species, which suggests that this missense change does not adversely affect protein function. This variant has not been reported in the literature in individuals affected with NSUN3-related conditions. This sequence change replaces arginine, which is basic and polar, with lysine, which is basic and polar, at codon 296 of the NSUN3 protein (p.Arg296Lys).